The following is an entry in ClinVar:

NM_001440.4(EXTL3):c.803C>T (p.Thr268Met)

Gene: EXTL3 (exostosin like glycosyltransferase 3; plus strand). Cytogenetic location: 8p21.1.
Variant type: single nucleotide variant.
Coding change: c.803C>T on transcript NM_001440.4 (MANE Select); coding-DNA position 803, C replaced by T.
Protein change: p.Thr268Met; replaces threonine 268 with methionine.
Molecular consequence: missense variant.
Genome position (GRCh38, 1-based): chr8:28,716,862, C>T. VCF-style: chr8-28716862-C-T. GRCh37 (hg19) VCF-style: chr8-28574379-C-T.
Other names: short protein forms T268M.
Identifiers: ClinVar variation 1354359 (VCV001354359.6), dbSNP rs200615501, ClinGen allele CA4696070.

ClinVar aggregate classification (germline): Conflicting classifications of pathogenicity. Review status: criteria provided, conflicting classifications (1 of 4 stars). 3 submissions from 3 submitters: Uncertain significance (2); Likely benign (1). Last evaluated 2025-01-07.

Allele frequency attached by ClinVar (database versions not stated): ESP Exome Variant Server 0.00008; gnomAD 0.00012; gnomAD exomes 0.00013 and 0.00020; TOPMed 0.00015; ExAC 0.00026.
gnomAD v4.1: 215 of 1,614,090 alleles (0.013%); highest among the groups gnomAD compares: Middle Eastern, 0.33%; 2 homozygotes.

Submissions (3):

Labcorp Genetics (formerly Invitae), Labcorp
Classification: Uncertain significance. Last evaluated: 2025-01-07. Review status: criteria provided, single submitter. Criteria: Invitae Variant Classification Sherloc (09022015). Collection method: clinical testing. Allele origin: germline.
Comment: This sequence change replaces threonine, which is neutral and polar, with methionine, which is neutral and non-polar, at codon 268 of the EXTL3 protein (p.Thr268Met). This variant is present in population databases (rs200615501, gnomAD 0.08%). This variant has not been reported in the literature in individuals affected with EXTL3-related conditions. ClinVar contains an entry for this variant (Variation ID: 1354359). Invitae Evidence Modeling of protein sequence and biophysical properties (such as structural, functional, and spatial information, amino acid conservation, physicochemical variation, residue mobility, and thermodynamic stability) indicates that this missense variant is not expected to disrupt EXTL3 protein function with a negative predictive value of 80%. In summary, the available evidence is currently insufficient to determine the role of this variant in disease. Therefore, it has been classified as a Variant of Uncertain Significance.

Blueprint Genetics
Classification: Likely benign. Last evaluated: 2024-11-22. Review status: criteria provided, single submitter. Criteria: ACMG Guidelines, 2015. Collection method: clinical testing. Allele origin: germline.

Breakthrough Genomics
Classification: Uncertain significance. Review status: criteria provided, single submitter. Criteria: ACMG Guidelines, 2015. Collection method: not provided. Allele origin: germline. Inheritance: Autosomal recessive inheritance. Affected: yes.